The following is an entry in ClinVar:

NM_015272.5(RPGRIP1L):c.1904A>G (p.Tyr635Cys)

Gene: RPGRIP1L (RPGRIP1 like; minus strand). Cytogenetic location: 16q12.2.
Variant type: single nucleotide variant.
Coding change: c.1904A>G on transcript NM_015272.5 (MANE Select); coding-DNA position 1904, A replaced by G.
Protein change: p.Tyr635Cys; replaces tyrosine 635 with cysteine.
Molecular consequence: missense variant.
Genome position (GRCh38, 1-based): chr16:53,652,783, T>C on the plus strand (A>G on the coding strand, the complement: RPGRIP1L is on the minus strand). VCF-style: chr16-53652783-T-C. GRCh37 (hg19) VCF-style: chr16-53686695-T-C.
Other names: c.1904A>G (NM_015272.4); c.1904A>G, p.Tyr635Cys (NM_001127897.4, NM_001308334.3, NM_001330538.2); short protein forms Y635C.
Identifiers: ClinVar variation 2430612 (VCV002430612.6), dbSNP rs770013793, ClinGen allele CA8057675.

ClinVar aggregate classification (germline): Uncertain significance. Review status: criteria provided, multiple submitters, no conflicts (2 of 4 stars). 6 submissions from 6 submitters: Uncertain significance (6). Last evaluated 2026-03-02.

Conditions:
RPGRIP1L-related disorder. Also called: RPGRIP1L-related condition; RPGRIP1L-related disorders. Identifiers: MedGen CN239416.
Optic atrophy. Identifiers: MedGen C0029124, MONDO:0003608, HP:0000648.
Meckel syndrome, type 5 (MKS5). Identifiers: Orphanet 564, MedGen C1969052, MONDO:0012695, OMIM 611561.
Joubert syndrome 7 (JBTS7). Identifiers: Orphanet 220497, MedGen C1969053, MONDO:0012694, OMIM 611560.
COACH syndrome 3. Identifiers: MedGen C5436841, MONDO:0030862, OMIM 619113.
Inborn genetic diseases. Identifiers: MedGen C0950123, MeSH D030342.

Allele frequency attached by ClinVar (database versions not stated): ExAC 0.00001; gnomAD 0.00001; TOPMed 0.00001; gnomAD exomes 0.00003.
gnomAD v4.1: 41 of 1,614,016 alleles (0.0025%); highest among the groups gnomAD compares: Middle Eastern, 0.016%; no homozygotes.

Submissions (6):

PreventionGenetics, part of Exact Sciences
Classification: Uncertain significance for RPGRIP1L-related condition. Last evaluated: 2026-03-02. Review status: criteria provided, single submitter. Criteria: ACMG Guidelines, 2015. Collection method: clinical testing. Allele origin: germline.
Comment: The RPGRIP1L c.1904A>G variant is predicted to result in the amino acid substitution p.Tyr635Cys. This variant has been reported in an individual with myelomeningocele (Supplementary Table 3, Au et al. 2021. PubMed ID: 33574475). This variant is reported in 0.0085% of alleles in individuals of Latino descent in gnomAD. At this time, the clinical significance of this variant is uncertain due to the absence of conclusive functional and genetic evidence.

Ambry Genetics
Classification: Uncertain significance for Inborn genetic diseases. Last evaluated: 2025-08-24. Review status: criteria provided, single submitter. Criteria: Ambry Variant Classification Scheme 2023. Collection method: clinical testing. Allele origin: germline.

Fulgent Genetics
Classification: Uncertain significance for Joubert syndrome 7; Meckel syndrome, type 5; COACH syndrome 3. Last evaluated: 2024-05-01. Review status: criteria provided, single submitter. Criteria: ACMG Guidelines, 2015. Collection method: clinical testing. Allele origin: germline.

Blueprint Genetics
Classification: Uncertain significance. Last evaluated: 2024-01-29. Review status: criteria provided, single submitter. Criteria: ACMG Guidelines, 2015. Collection method: clinical testing. Allele origin: germline.

GeneDx
Classification: Uncertain significance. Last evaluated: 2023-02-02. Review status: criteria provided, single submitter. Criteria: GeneDx Variant Classification Process June 2021. Collection method: clinical testing. Allele origin: germline. Affected: yes.
Comment: Not observed at significant frequency in large population cohorts (gnomAD); In silico analysis supports that this missense variant has a deleterious effect on protein structure/function; Has not been previously published as pathogenic or benign to our knowledge

Institute of Human Genetics, Univ. Regensburg, Univ. Regensburg
Classification: Uncertain significance for Optic atrophy. Last evaluated: 2022-01-01. Review status: criteria provided, single submitter. Criteria: ACMG Guidelines, 2015. Collection method: clinical testing. Allele origin: germline. Affected: yes.

Literature cited by the submitters: PubMed 33574475 (cited by Institute of Human Genetics, Univ. Regensburg, Univ. Regensburg).